The following is an entry in ClinVar:

NM_138694.4(PKHD1):c.8078A>G (p.Asn2693Ser)

Gene: PKHD1 (PKHD1 ciliary IPT domain containing fibrocystin/polyductin; minus strand). Cytogenetic location: 6p12.2.
Variant type: single nucleotide variant.
Coding change: c.8078A>G on transcript NM_138694.4 (MANE Select); coding-DNA position 8078, A replaced by G.
Protein change: p.Asn2693Ser; replaces asparagine 2693 with serine.
Molecular consequence: missense variant.
Genome position (GRCh38, 1-based): chr6:51,847,804, T>C on the plus strand (A>G on the coding strand, the complement: PKHD1 is on the minus strand). VCF-style: chr6-51847804-T-C. GRCh37 (hg19) VCF-style: chr6-51712602-T-C.
Other names: c.8078A>G, p.Asn2693Ser (NM_170724.3); short protein forms N2693S.
Identifiers: ClinVar variation 4981006 (VCV004981006.1).

ClinVar aggregate classification (germline): Uncertain significance (1 of 4 stars; one submission).

Conditions:
PKHD1-related disorder. Also called: PKHD1-related condition.

gnomAD v4.1: 5 of 1,614,022 alleles (0.00031%); highest among the groups gnomAD compares: Non-Finnish European, 0.00034%; no homozygotes.

Submission:

PreventionGenetics, part of Exact Sciences
Classification: Uncertain significance for PKHD1-related condition. Last evaluated: 2026-05-19. Review status: criteria provided, single submitter. Criteria: ACMG Guidelines, 2015. Collection method: clinical testing. Allele origin: germline.
Comment: The PKHD1 c.8078A>G variant is predicted to result in the amino acid substitution p.Asn2693Ser. To our knowledge, this variant has not been reported in the literature or in a large population database (gnomAD), indicating this variant is rare. At this time, the clinical significance of this variant is uncertain due to the absence of conclusive functional and genetic evidence.